The following is an entry in ClinVar:

ClinVar aggregate classification (germline): Likely pathogenic (1 of 4 stars; one submission).

Conditions:
Familial adenomatous polyposis 2. Also called: MYH-associated polyposis; MUTYH Polyposis; Adenomas, multiple colorectal; COLORECTAL ADENOMATOUS POLYPOSIS, AUTOSOMAL RECESSIVE; ADENOMAS, MULTIPLE COLORECTAL, AUTOSOMAL RECESSIVE; MUTYH-associated polyposis. Identifiers: Orphanet 220460, Orphanet 247798, MedGen C3272841, MONDO:0012041, OMIM 608456.

Submission:

Labcorp Genetics (formerly Invitae), Labcorp
Classification: Likely pathogenic for Familial adenomatous polyposis 2. Last evaluated: 2025-02-12. Review status: criteria provided, single submitter. Criteria: Invitae Variant Classification Sherloc (09022015). Collection method: clinical testing. Allele origin: germline.
Comment: This sequence change affects an acceptor splice site in intron 8 of the MUTYH gene. It is expected to disrupt RNA splicing. Variants that disrupt the donor or acceptor splice site typically lead to a loss of protein function (PMID: 16199547), and loss-of-function variants in MUTYH are known to be pathogenic (PMID: 18534194, 20663686). This variant is not present in population databases (gnomAD no frequency). This variant has not been reported in the literature in individuals affected with MUTYH-related conditions. Algorithms developed to predict the effect of sequence changes on RNA splicing suggest that this variant may disrupt the consensus splice site. In summary, the currently available evidence indicates that the variant is pathogenic, but additional data are needed to prove that conclusively. Therefore, this variant has been classified as Likely Pathogenic.

Literature cited by the submitters: PubMed 16199547; PubMed 18534194; PubMed 20663686.

NM_001048174.2(MUTYH):c.607-2A>G

Gene: MUTYH (mutY DNA glycosylase; minus strand). Cytogenetic location: 1p34.1.
Variant type: single nucleotide variant.
Coding change: c.607-2A>G on transcript NM_001048174.2 (MANE Select); the canonical splice acceptor site of the intron before coding-DNA position 607, A replaced by G.
Molecular consequence: splice acceptor variant.
Genome position (GRCh38, 1-based): chr1:45,332,490, T>C on the plus strand (A>G on the coding strand, the complement: MUTYH is on the minus strand). VCF-style: chr1-45332490-T-C. GRCh37 (hg19) VCF-style: chr1-45798162-T-C.
Other names: c.607-2A>G (NM_001407072.1, NM_001407073.1, NM_001048171.2 and 6 more transcripts); c.262-2A>G (NM_001350651.2, NM_001350650.2, NM_001407082.1); c.331-2A>G (NM_001293192.2, NM_001293196.2, NM_001407091.1); c.652-2A>G (NM_001293190.2); c.640-2A>G (NM_001407069.1, NM_001407077.1, NM_001293191.2); c.682-2A>G (NM_012222.3); c.691-2A>G (NM_001128425.2); c.610-2A>G (NM_001407071.1, NM_001048172.2, NM_001407078.1 and 1 more transcripts); and 5 more.
Identifiers: ClinVar variation 4762167 (VCV004762167.1).